The following is an entry in ClinVar:

NM_004715.5(CTDP1):c.2628G>T (p.Lys876Asn)

Gene: CTDP1 (CTD phosphatase subunit 1; plus strand). Cytogenetic location: 18q23.
Variant type: single nucleotide variant.
Coding change: c.2628G>T on transcript NM_004715.5 (MANE Select); coding-DNA position 2628, G replaced by T.
Protein change: p.Lys876Asn; replaces lysine 876 with asparagine.
Molecular consequence: missense variant. On other transcripts: intron variant (1).
Genome position (GRCh38, 1-based): chr18:79,736,402, G>T. VCF-style: chr18-79736402-G-T. GRCh37 (hg19) VCF-style: chr18-77496402-G-T.
Other names: c.2271G>T, p.Lys757Asn (NM_001202504.1); c.2465G>T, p.Arg822Ile (NM_048368.4); c.2580+7333G>T (NM_001318511.2); short protein forms R822I, K757N, K876N.
Identifiers: ClinVar variation 2015485 (VCV002015485.2), dbSNP rs1318305660, ClinGen allele CA402834457.
Genomic context (GRCh38, chr18:79,736,402, plus strand): 5'-GGCTGTTTGTCAGGTGGACGACATCCTTGGAGAAGGCAGCGACGACAGCGACAGCGAGAA[G>T]AGGAGGCCTGAGGAGCAGGAGGAGGAGCCCCAGCCCCGGAAGCCAGGGACCCGCAGGGAG-3'
Protein context (NP_004706.3, residues 866-886): GEGSDDSDSE[Lys876Asn]RRPEEQEEEP

ClinVar aggregate classification (germline): Uncertain significance (1 of 4 stars; one submission).

Submission:

Labcorp Genetics (formerly Invitae), Labcorp
Classification: Uncertain significance. Last evaluated: 2026-02-03. Review status: criteria provided, single submitter. Criteria: Invitae Variant Classification Sherloc (09022015). Collection method: clinical testing. Allele origin: germline.
Comment: This sequence change replaces lysine, which is basic and polar, with asparagine, which is neutral and polar, at codon 876 of the CTDP1 protein (p.Lys876Asn). This variant is not present in population databases (gnomAD no frequency). This variant has not been reported in the literature in individuals affected with CTDP1-related conditions. ClinVar contains an entry for this variant (Variation ID: 2015485). An algorithm developed to predict the effect of missense changes on protein structure and function (PolyPhen-2) suggests that this variant is likely to be disruptive. In summary, the available evidence is currently insufficient to determine the role of this variant in disease. Therefore, it has been classified as a Variant of Uncertain Significance.